The following is an entry in ClinVar:

NM_001005242.3(PKP2):c.274T>C (p.Leu92=)

Gene: PKP2 (plakophilin 2; minus strand). Cytogenetic location: 12p11.21.
Variant type: single nucleotide variant.
Coding change: c.274T>C on transcript NM_001005242.3 (MANE Select); coding-DNA position 274, T replaced by C.
Protein change: p.Leu92=; no amino-acid change (leucine 92 retained).
Molecular consequence: synonymous variant. On other transcripts: 5 prime UTR variant (4).
Genome position (GRCh38, 1-based): chr12:32,878,982, A>G on the plus strand (T>C on the coding strand, the complement: PKP2 is on the minus strand). VCF-style: chr12-32878982-A-G. GRCh37 (hg19) VCF-style: chr12-33031916-A-G.
Other names: c.274T>C, p.Leu92= (NM_001407155.1, NM_001407156.1, NM_001407157.1 and 2 more transcripts); c.-54T>C (NM_001407158.1, NM_001407159.1, NM_001407160.1 and 1 more transcripts).
Identifiers: ClinVar variation 2903032 (VCV002903032.5), dbSNP rs773851296, ClinGen allele CA479174999.

ClinVar aggregate classification (germline): Likely benign. Review status: criteria provided, multiple submitters, no conflicts (2 of 4 stars). 3 submissions from 3 submitters: Likely benign (3). Last evaluated 2025-07-07.

Conditions:
Arrhythmogenic right ventricular dysplasia 9 (ARVD9). Also called: ARRHYTHMOGENIC RIGHT VENTRICULAR DYSPLASIA, FAMILIAL, 9; Arrhythmogenic Right Ventricular Dysplasia/Cardiomyopathy 9. Identifiers: MedGen C1836906, MONDO:0012180, OMIM 609040.
Arrhythmogenic right ventricular cardiomyopathy (ARVD). Also called: Arrhythmogenic right ventricular dysplasia; Cardiomyopathy, ARVC; Arrhythmogenic cardiomyopathy; Arrhythmogenic Right Ventricular Cardiomyopathy (ARVC). Identifiers: Orphanet 247, MedGen C0349788, MeSH D019571, MONDO:0016587. Disease mechanism: loss of function. Inheritance: Various modes of inheritance.
Cardiovascular phenotype. Identifiers: MedGen CN230736.

Allele frequency attached by ClinVar (database versions not stated): TOPMed below 0.00001.
gnomAD v4.1: 6 of 1,609,320 alleles (0.00037%); highest among the groups gnomAD compares: Middle Eastern, 0.022%; no homozygotes.

Submissions (3):

Ambry Genetics
Classification: Likely benign for Cardiovascular phenotype. Last evaluated: 2025-07-07. Review status: criteria provided, single submitter. Criteria: Ambry Variant Classification Scheme 2023. Collection method: clinical testing. Allele origin: germline.

Labcorp Genetics (formerly Invitae), Labcorp
Classification: Likely benign for Arrhythmogenic right ventricular dysplasia 9. Last evaluated: 2024-07-25. Review status: criteria provided, single submitter. Criteria: Invitae Variant Classification Sherloc (09022015). Collection method: clinical testing. Allele origin: germline.

All of Us Research Program, National Institutes of Health
Classification: Likely benign for Arrhythmogenic right ventricular cardiomyopathy. Last evaluated: 2023-05-30. Review status: criteria provided, single submitter. Criteria: ACMG Guidelines, 2015. Collection method: clinical testing. Allele origin: germline. Inheritance: Autosomal dominant inheritance. Observed: 1 variant allele, 1 heterozygote.
Comment: This study involves interpretation of variants in research participants for the purpose of population health screening. Participant phenotype was not available at the time of variant classification. Additional details can be found in publication PMID: 35346344, PMCID: PMC8962531